The following is an entry in ClinVar:

ClinVar aggregate classification (germline): Uncertain significance. Review status: criteria provided, multiple submitters, no conflicts (2 of 4 stars). 2 submissions from 2 submitters: Uncertain significance (2). Last evaluated 2023-05-15.

Conditions:
Inborn genetic diseases. Identifiers: MedGen C0950123, MeSH D030342.

Allele frequency attached by ClinVar (database versions not stated): gnomAD exomes 0.00001; TOPMed 0.00001; ESP Exome Variant Server 0.00008.
gnomAD v4.1: 19 of 1,612,410 alleles (0.0012%); highest among the groups gnomAD compares: Non-Finnish European, 0.0015%; no homozygotes.

Submissions (2):

GeneDx
Classification: Uncertain significance. Last evaluated: 2023-05-15. Review status: criteria provided, single submitter. Criteria: GeneDx Variant Classification Process June 2021. Collection method: clinical testing. Allele origin: germline. Affected: yes.
Comment: Not observed at significant frequency in large population cohorts (gnomAD); In silico analysis supports that this missense variant has a deleterious effect on protein structure/function; Has not been previously published as pathogenic or benign to our knowledge

Ambry Genetics
Classification: Uncertain significance for Inborn genetic diseases. Last evaluated: 2023-02-15. Review status: criteria provided, single submitter. Criteria: Ambry Variant Classification Scheme 2023. Collection method: clinical testing. Allele origin: germline.

NM_001020658.2(PUM1):c.3167G>A (p.Arg1056His)

Gene: PUM1 (pumilio RNA binding family member 1; minus strand). Cytogenetic location: 1p35.2.
Variant type: single nucleotide variant.
Coding change: c.3167G>A on transcript NM_001020658.2 (MANE Select); coding-DNA position 3167, G replaced by A.
Protein change: p.Arg1056His; replaces arginine 1056 with histidine.
Molecular consequence: missense variant.
Genome position (GRCh38, 1-based): chr1:30,941,226, C>T on the plus strand (G>A on the coding strand, the complement: PUM1 is on the minus strand). VCF-style: chr1-30941226-C-T. GRCh37 (hg19) VCF-style: chr1-31414073-C-T.
Other names: c.3161G>A, p.Arg1054His (NM_014676.3); short protein forms R1056H, R1054H.
Identifiers: ClinVar variation 2483934 (VCV002483934.3), dbSNP rs142957510, ClinGen allele CA20083380.